The following is an entry in ClinVar:

NM_006415.4(SPTLC1):c.876C>G (p.His292Gln)

Gene: SPTLC1 (serine palmitoyltransferase long chain base subunit 1; minus strand). Cytogenetic location: 9q22.31.
Variant type: single nucleotide variant.
Coding change: c.876C>G on transcript NM_006415.4 (MANE Select); coding-DNA position 876, C replaced by G.
Protein change: p.His292Gln; replaces histidine 292 with glutamine.
Molecular consequence: missense variant.
Genome position (GRCh38, 1-based): chr9:92,049,972, G>C on the plus strand (C>G on the coding strand, the complement: SPTLC1 is on the minus strand). VCF-style: chr9-92049972-G-C. GRCh37 (hg19) VCF-style: chr9-94812254-G-C.
Other names: c.876C>G, p.His292Gln (NM_001281303.2); c.510C>G, p.His170Gln (NM_001368272.1); c.411C>G, p.His137Gln (NM_001368273.1); c.876C>G (NM_006415.2); short protein forms H137Q, H170Q, H292Q.
Identifiers: ClinVar variation 917292 (VCV000917292.10), dbSNP rs771021842, ClinGen allele CA195388264.

ClinVar aggregate classification (germline): Uncertain significance. Review status: criteria provided, multiple submitters, no conflicts (2 of 4 stars). 5 submissions from 5 submitters: Uncertain significance (5). Last evaluated 2026-05-18.

Conditions:
Hereditary sensory and autonomic neuropathy type 1 (HSAN1). Also called: HSN Type I; Hereditary Sensory Neuropathy Type I; HSAN 1. Identifiers: Orphanet 36386, MedGen C0020071, MONDO:0018213.
Charcot-Marie-Tooth disease. Also called: Charcot-Marie-Tooth Neuropathy; Charcot-Marie-Tooth Hereditary Neuropathy. Identifiers: Orphanet 166, MedGen C0007959, MONDO:0015626.
SPTLC1-related disorder. Also called: SPTLC1-related condition.

Allele frequency attached by ClinVar (database versions not stated): gnomAD exomes 0.00003 and below 0.00001; gnomAD 0.00001; TOPMed 0.00002.
gnomAD v4.1: 45 of 1,608,100 alleles (0.0028%); highest among the groups gnomAD compares: Non-Finnish European, 0.0037%; no homozygotes.

Submissions (5):

Women's Health and Genetics/Laboratory Corporation of America, LabCorp
Classification: Uncertain significance. Last evaluated: 2026-05-18. Review status: criteria provided, single submitter. Criteria: LabCorp Variant Classification Summary - May 2015. Collection method: clinical testing. Allele origin: germline.
Comment: Variant summary: SPTLC1 c.876C>G (p.His292Gln) results in a non-conservative amino acid change in the encoded protein sequence. Algorithms developed to predict the effect of missense changes on protein structure and function all suggest that this variant is likely to be disruptive. The variant allele was found at a frequency of 4e-06 in 251250 control chromosomes. The available data on variant occurrences in the general population are insufficient to allow any conclusion about variant significance. c.876C>G has been observed in an NGS-based panel study on a cohort of individuals with Charcot- Marie- Tooth disease without strong evidence of causality (Volodarsky_2021). These report(s) do not provide unequivocal conclusions about association of the variant with disease. To our knowledge, no experimental evidence demonstrating an impact on protein function has been reported. The following publication have been ascertained in the context of this evaluation (PMID: 32376792). ClinVar contains an entry for this variant (Variation ID: 917292). Based on the evidence outlined above, the variant was classified as uncertain significance.

PreventionGenetics, part of Exact Sciences
Classification: Uncertain significance for SPTLC1-related condition. Last evaluated: 2026-03-10. Review status: criteria provided, single submitter. Criteria: ACMG Guidelines, 2015. Collection method: clinical testing. Allele origin: germline.
Comment: The SPTLC1 c.876C>G variant is predicted to result in the amino acid substitution p.His292Gln. This variant was reported as a variant of uncertain significance in an individual with Charcot-Marie-Tooth disease from a large cohort study (Supp. Table 2 in Volodarsky et al 2021. PubMed ID: 32376792). This variant is reported in 0.00088% of alleles in individuals of European (non-Finnish) descent in gnomAD. At this time, the clinical significance of this variant is uncertain due to the absence of conclusive functional and genetic evidence.

GeneDx
Classification: Uncertain significance. Last evaluated: 2025-05-30. Review status: criteria provided, single submitter. Criteria: GeneDx Variant Classification Process June 2021. Collection method: clinical testing. Allele origin: germline. Affected: yes.
Comment: Reported previously as a variant of uncertain significance in one patient with suspected Charcot-Marie-Tooth disease; however, no further clinical or segregation information was provided (PMID: 32376792); In silico analysis supports that this missense variant has a deleterious effect on protein structure/function; This variant is associated with the following publications: (PMID: 32376792)

Labcorp Genetics (formerly Invitae), Labcorp
Classification: Uncertain significance for Hereditary sensory and autonomic neuropathy type 1. Last evaluated: 2024-04-16. Review status: criteria provided, single submitter. Criteria: Invitae Variant Classification Sherloc (09022015). Collection method: clinical testing. Allele origin: germline.
Comment: This sequence change replaces histidine, which is basic and polar, with glutamine, which is neutral and polar, at codon 292 of the SPTLC1 protein (p.His292Gln). This variant is present in population databases (rs771021842, gnomAD 0.0009%). This missense change has been observed in individual(s) with clinical features of SPTLC1-related conditions (PMID: 32376792). ClinVar contains an entry for this variant (Variation ID: 917292). Advanced modeling of protein sequence and biophysical properties (such as structural, functional, and spatial information, amino acid conservation, physicochemical variation, residue mobility, and thermodynamic stability) performed at Invitae indicates that this missense variant is not expected to disrupt SPTLC1 protein function with a negative predictive value of 80%. In summary, the available evidence is currently insufficient to determine the role of this variant in disease. Therefore, it has been classified as a Variant of Uncertain Significance.

Molecular Genetics Laboratory, London Health Sciences Centre
Classification: Uncertain significance for Charcot-Marie-Tooth disease. Review status: criteria provided, single submitter. Criteria: ACMG Guidelines, 2015. Collection method: clinical testing. Allele origin: germline. Affected: yes.

Literature cited by the submitters: PubMed 32376792 (cited by Women's Health and Genetics/Laboratory Corporation of America, LabCorp and Labcorp Genetics (formerly Invitae), Labcorp).